The following is an entry in ClinVar:

NM_005477.3(HCN4):c.783C>A (p.Phe261Leu)

Gene: HCN4 (hyperpolarization activated cyclic nucleotide gated potassium channel 4; minus strand). Cytogenetic location: 15q24.1.
Variant type: single nucleotide variant.
Coding change: c.783C>A on transcript NM_005477.3 (MANE Select); coding-DNA position 783, C replaced by A.
Protein change: p.Phe261Leu; replaces phenylalanine 261 with leucine.
Molecular consequence: missense variant.
Genome position (GRCh38, 1-based): chr15:73,367,488, G>T on the plus strand (C>A on the coding strand, the complement: HCN4 is on the minus strand). VCF-style: chr15-73367488-G-T. GRCh37 (hg19) VCF-style: chr15-73659829-G-T.
Other names: c.783C>A (NM_005477.2); short protein forms F261L.
Identifiers: ClinVar variation 1477680 (VCV001477680.7), dbSNP rs368583153, ClinGen allele CA7649428.

ClinVar aggregate classification (germline): Uncertain significance. Review status: criteria provided, multiple submitters, no conflicts (2 of 4 stars). 2 submissions from 2 submitters: Uncertain significance (2). Last evaluated 2025-12-21.

Conditions:
Brugada syndrome 8 (BRGDA8). Identifiers: Orphanet 130, MedGen C2751083, MONDO:0013148, OMIM 613123.
Cardiovascular phenotype. Identifiers: MedGen CN230736.

Allele frequency attached by ClinVar (database versions not stated): gnomAD exomes below 0.00001 and 0.00001; ExAC 0.00001; gnomAD 0.00001; TOPMed 0.00001; ESP Exome Variant Server 0.00008.
gnomAD v4.1: 2 of 1,613,300 alleles (0.00012%); highest among the groups gnomAD compares: African/African-American, 0.0027%; no homozygotes.

Submissions (2):

Labcorp Genetics (formerly Invitae), Labcorp
Classification: Uncertain significance for Brugada syndrome 8. Last evaluated: 2025-12-21. Review status: criteria provided, single submitter. Criteria: Invitae Variant Classification Sherloc (09022015). Collection method: clinical testing. Allele origin: germline.
Comment: This sequence change replaces phenylalanine, which is neutral and non-polar, with leucine, which is neutral and non-polar, at codon 261 of the HCN4 protein (p.Phe261Leu). This variant is present in population databases (rs368583153, gnomAD 0.008%). This variant has not been reported in the literature in individuals affected with HCN4-related conditions. ClinVar contains an entry for this variant (Variation ID: 1477680). Invitae Evidence Modeling of protein sequence and biophysical properties (such as structural, functional, and spatial information, amino acid conservation, physicochemical variation, residue mobility, and thermodynamic stability) has been performed for this missense variant. However, the output from this modeling did not meet the statistical confidence thresholds required to predict the impact of this variant on HCN4 protein function. In summary, the available evidence is currently insufficient to determine the role of this variant in disease. Therefore, it has been classified as a Variant of Uncertain Significance.

Ambry Genetics
Classification: Uncertain significance for Cardiovascular phenotype. Last evaluated: 2024-07-26. Review status: criteria provided, single submitter. Criteria: Ambry Variant Classification Scheme 2023. Collection method: clinical testing. Allele origin: germline.